The following is an entry in ClinVar:

ClinVar aggregate classification (germline): Uncertain significance (1 of 4 stars; one submission).

Conditions:
Long QT syndrome (LQTS). Identifiers: MedGen C0023976, MeSH D008133, MONDO:0002442. Disease mechanism: loss of function. Inheritance: Various modes of inheritance.

Allele frequency attached by ClinVar (database versions not stated): gnomAD exomes below 0.00001.
gnomAD v4.1: 1 of 1,610,624 alleles (0.000062%); highest among the groups gnomAD compares: Non-Finnish European, 0.000085%; no homozygotes.

Submission:

Labcorp Genetics (formerly Invitae), Labcorp
Classification: Uncertain significance for Long QT syndrome. Last evaluated: 2023-07-15. Review status: criteria provided, single submitter. Criteria: Invitae Variant Classification Sherloc (09022015). Collection method: clinical testing. Allele origin: germline.
Comment: This sequence change replaces serine, which is neutral and polar, with threonine, which is neutral and polar, at codon 1124 of the CACNA1C protein (p.Ser1124Thr). In summary, the available evidence is currently insufficient to determine the role of this variant in disease. Therefore, it has been classified as a Variant of Uncertain Significance. Advanced modeling of protein sequence and biophysical properties (such as structural, functional, and spatial information, amino acid conservation, physicochemical variation, residue mobility, and thermodynamic stability) has been performed at Invitae for this missense variant, however the output from this modeling did not meet the statistical confidence thresholds required to predict the impact of this variant on CACNA1C protein function. This variant has not been reported in the literature in individuals affected with CACNA1C-related conditions. This variant is not present in population databases (gnomAD no frequency).

NM_000719.7(CACNA1C):c.3370T>A (p.Ser1124Thr)

Gene: CACNA1C (calcium voltage-gated channel subunit alpha1 C; plus strand). Cytogenetic location: 12p13.33.
Variant type: single nucleotide variant.
Coding change: c.3370T>A on transcript NM_000719.7 (MANE Select); coding-DNA position 3370, T replaced by A.
Protein change: p.Ser1124Thr; replaces serine 1124 with threonine.
Molecular consequence: missense variant.
Genome position (GRCh38, 1-based): chr12:2,608,524, T>A. VCF-style: chr12-2608524-T-A. GRCh37 (hg19) VCF-style: chr12-2717690-T-A.
Other names: c.3430T>A, p.Ser1144Thr (NM_199460.4, NM_001129827.2, NM_001129832.2); c.3370T>A, p.Ser1124Thr (NM_001129829.2, NM_001129830.3, NM_001129831.2 and 15 more transcripts); c.3361T>A, p.Ser1121Thr (NM_001129844.2); short protein forms S1121T, S1124T, S1144T.
Identifiers: ClinVar variation 2816571 (VCV002816571.3), dbSNP rs2518567361, ClinGen allele CA383375231.